The following is an entry in ClinVar:

NM_001164508.2(NEB):c.10303C>G (p.Leu3435Val)

Gene: NEB (nebulin; minus strand). Cytogenetic location: 2q23.3.
Variant type: single nucleotide variant.
Coding change: c.10303C>G on transcript NM_001164508.2 (MANE Select); coding-DNA position 10303, C replaced by G.
Protein change: p.Leu3435Val; replaces leucine 3435 with valine.
Molecular consequence: missense variant.
Genome position (GRCh38, 1-based): chr2:151,627,046, G>C on the plus strand (C>G on the coding strand, the complement: NEB is on the minus strand). VCF-style: chr2-151627046-G-C. GRCh37 (hg19) VCF-style: chr2-152483560-G-C.
Other names: c.10303C>G (NM_001271208.1); c.10303C>G, p.Leu3435Val (NM_001164507.2, NM_001271208.2); c.9574C>G, p.Leu3192Val (NM_004543.5); short protein forms L3192V, L3435V.
Identifiers: ClinVar variation 1399382 (VCV001399382.9), dbSNP rs768451216, ClinGen allele CA1909070.

ClinVar aggregate classification (germline): Uncertain significance. Review status: criteria provided, multiple submitters, no conflicts (2 of 4 stars). 2 submissions from 2 submitters: Uncertain significance (2). Last evaluated 2023-11-27.

Conditions:
Nemaline myopathy 2 (NEM2). Also called: Nemaline myopathy 2, autosomal recessive. Identifiers: MedGen C1850569, MONDO:0009725, OMIM 256030.

Allele frequency attached by ClinVar (database versions not stated): gnomAD exomes below 0.00001; ExAC 0.00001.
gnomAD v4.1: 1 of 1,613,956 alleles (0.000062%); highest among the groups gnomAD compares: South Asian, 0.0011%; no homozygotes.

Submissions (2):

Labcorp Genetics (formerly Invitae), Labcorp
Classification: Uncertain significance for Nemaline myopathy 2. Last evaluated: 2023-11-27. Review status: criteria provided, single submitter. Criteria: Invitae Variant Classification Sherloc (09022015). Collection method: clinical testing. Allele origin: germline.
Comment: This sequence change replaces leucine, which is neutral and non-polar, with valine, which is neutral and non-polar, at codon 3435 of the NEB protein (p.Leu3435Val). This variant is present in population databases (rs768451216, gnomAD 0.003%). This variant has not been reported in the literature in individuals affected with NEB-related conditions. ClinVar contains an entry for this variant (Variation ID: 1399382). Experimental studies and prediction algorithms are not available or were not evaluated, and the functional significance of this variant is currently unknown. In summary, the available evidence is currently insufficient to determine the role of this variant in disease. Therefore, it has been classified as a Variant of Uncertain Significance.

Revvity Omics, Revvity
Classification: Uncertain significance. Last evaluated: 2019-07-17. Review status: criteria provided, single submitter. Criteria: ACMG Guidelines, 2015. Collection method: clinical testing. Allele origin: germline.